The following is an entry in ClinVar:

ClinVar aggregate classification (germline): Likely benign. Review status: criteria provided, multiple submitters, no conflicts (2 of 4 stars). 3 submissions from 3 submitters: Likely benign (2). 1 of the submissions does not count toward it. Last evaluated 2025-12-05.

Conditions:
SLC24A1-related disorder. Also called: SLC24A1-related condition.

Allele frequency attached by ClinVar (database versions not stated): gnomAD exomes 0.00003 and 0.00007; gnomAD 0.00004 and 0.00005; ExAC 0.00006; TOPMed 0.00010.
gnomAD v4.1: 51 of 1,613,906 alleles (0.0032%); highest among the groups gnomAD compares: East Asian, 0.078%; no homozygotes.

Submissions (3):

Labcorp Genetics (formerly Invitae), Labcorp
Classification: Likely benign. Last evaluated: 2025-12-05. Review status: criteria provided, single submitter. Criteria: Invitae Variant Classification Sherloc (09022015). Collection method: clinical testing. Allele origin: germline.

Blueprint Genetics
Classification: Likely benign. Last evaluated: 2024-02-29. Review status: criteria provided, single submitter. Criteria: ACMG Guidelines, 2015. Collection method: clinical testing. Allele origin: germline.

PreventionGenetics, part of Exact Sciences
Classification: Likely benign for SLC24A1-related condition. Last evaluated: 2023-10-18. Review status: no assertion criteria provided. Collection method: clinical testing. Allele origin: germline. Not counted in ClinVar's aggregate classification.
Comment: This variant is classified as likely benign based on ACMG/AMP sequence variant interpretation guidelines (Richards et al. 2015 PMID: 25741868, with internal and published modifications).

NM_004727.3(SLC24A1):c.148T>C (p.Leu50=)

Gene: SLC24A1 (solute carrier family 24 member 1; plus strand). Cytogenetic location: 15q22.31.
Variant type: single nucleotide variant.
Coding change: c.148T>C on transcript NM_004727.3 (MANE Select); coding-DNA position 148, T replaced by C.
Protein change: p.Leu50=; no amino-acid change (leucine 50 retained).
Molecular consequence: synonymous variant.
Genome position (GRCh38, 1-based): chr15:65,624,228, T>C. VCF-style: chr15-65624228-T-C. GRCh37 (hg19) VCF-style: chr15-65916566-T-C.
Other names: c.148T>C, p.Leu50= (NM_001301031.1, NM_001301032.1, NM_001301033.2); c.148T>C (NM_004727.2).
Identifiers: ClinVar variation 1107064 (VCV001107064.12), dbSNP rs760330178, ClinGen allele CA7619702.
Genomic context (GRCh38, chr15:65,624,228, plus strand): 5'-GGAATGTTGATCATCGGTTCTACTTATCAGCACCTTAGGAGACCCCGGGGCCTTTCCTCA[T>C]TGTGGGCAGCAGTCTCTTCTCATCAGCCTATAAAACTGGCCAGTCGGGACCTCTCCAGTG-3'
Protein context (NP_004718.1, residues 40-60): HLRRPRGLSS[Leu50=]WAAVSSHQPI